The following is an entry in ClinVar:

ClinVar aggregate classification (germline): Uncertain significance (1 of 4 stars; one submission).

Conditions:
Dilated cardiomyopathy 1O (CMD1O). Also called: CARDIOMYOPATHY, DILATED, WITH VENTRICULAR TACHYCARDIA. Identifiers: Orphanet 154, MedGen C1837839, MONDO:0012062, OMIM 608569.

gnomAD v4.1: 3 of 1,613,620 alleles (0.00019%); highest among the groups gnomAD compares: Non-Finnish European, 0.00017%; no homozygotes.

Submission:

Neuberg Centre For Genomic Medicine, NCGM
Classification: Uncertain significance for Dilated cardiomyopathy 1O. Review status: criteria provided, single submitter. Criteria: ACMG Guidelines, 2015. Collection method: clinical testing. Allele origin: germline. Affected: yes.
Comment: The missense variant p.V1500M in ABCC9 (NM_005691.4) has not been reported previously as a pathogenic variant nor as a benign variant, to our knowledge. The p.V1500M variant is novel (not in any individuals) in gnomAD Exomes and is novel (not in any individuals) in 1000 Genomes. The p.V1500M missense variant is predicted to be damaging by both SIFT and PolyPhen2. The valine residue at codon 1500 of ABCC9 is conserved in all mammalian species. The nucleotide c.4498 in ABCC9 is predicted conserved by GERP++ and PhyloP across 100 vertebrates. For these reasons, this variant has been classified as Uncertain Significance.

NM_020297.4(ABCC9):c.4498G>A (p.Val1500Met)

Genes: ABCC9 (ATP binding cassette subfamily C member 9; minus strand), KCNJ8-AS1 (KCNJ8 antisense RNA 1; plus strand). Cytogenetic location: 12p12.1.
Variant type: single nucleotide variant.
Coding change: c.4498G>A on transcript NM_020297.4 (MANE Select); coding-DNA position 4498, G replaced by A.
Protein change: p.Val1500Met; replaces valine 1500 with methionine.
Molecular consequence: missense variant.
Genome position (GRCh38, 1-based): chr12:21,806,012, C>T on the plus strand (G>A on the coding strand, the complement: ABCC9 is on the minus strand). VCF-style: chr12-21806012-C-T. GRCh37 (hg19) VCF-style: chr12-21958946-C-T.
Other names: c.4498G>A, p.Val1500Met (NM_001377273.1, NM_005691.4); c.3631G>A, p.Val1211Met (NM_001377274.1); short protein forms V1211M, V1500M.
Identifiers: ClinVar variation 1339079 (VCV001339079.2), dbSNP rs2137109986, ClinGen allele CA384130030.